The following is an entry in ClinVar:

ClinVar aggregate classification (germline): Uncertain significance. Review status: criteria provided, multiple submitters, no conflicts (2 of 4 stars). 2 submissions from 2 submitters: Uncertain significance (2). Last evaluated 2025-05-04.

Allele frequency attached by ClinVar (database versions not stated): TOPMed below 0.00001; gnomAD 0.00001; gnomAD exomes 0.00001; ExAC 0.00002.
gnomAD v4.1: 16 of 1,613,898 alleles (0.00099%); highest among the groups gnomAD compares: Admixed American, 0.005%; no homozygotes.

Submissions (2):

Ambry Genetics
Classification: Uncertain significance. Last evaluated: 2025-05-04. Review status: criteria provided, single submitter. Criteria: Ambry Variant Classification Scheme 2023. Collection method: clinical testing. Allele origin: germline.

Labcorp Genetics (formerly Invitae), Labcorp
Classification: Uncertain significance. Last evaluated: 2025-05-02. Review status: criteria provided, single submitter. Criteria: Invitae Variant Classification Sherloc (09022015). Collection method: clinical testing. Allele origin: germline.
Comment: This sequence change replaces alanine, which is neutral and non-polar, with valine, which is neutral and non-polar, at codon 90 of the MICAL1 protein (p.Ala90Val). This variant is present in population databases (rs779915041, gnomAD 0.006%). This variant has not been reported in the literature in individuals affected with MICAL1-related conditions. ClinVar contains an entry for this variant (Variation ID: 1932558). An algorithm developed to predict the effect of missense changes on protein structure and function (PolyPhen-2) suggests that this variant is likely to be disruptive. In summary, the available evidence is currently insufficient to determine the role of this variant in disease. Therefore, it has been classified as a Variant of Uncertain Significance.

NM_022765.4(MICAL1):c.212C>T (p.Ala71Val)

Gene: MICAL1 (microtubule associated monooxygenase, calponin and LIM domain containing 1; minus strand). Cytogenetic location: 6q21.
Variant type: single nucleotide variant.
Coding change: c.212C>T on transcript NM_022765.4 (MANE Select); coding-DNA position 212, C replaced by T.
Protein change: p.Ala71Val; replaces alanine 71 with valine.
Molecular consequence: missense variant.
Genome position (GRCh38, 1-based): chr6:109,453,985, G>A on the plus strand (C>T on the coding strand, the complement: MICAL1 is on the minus strand). VCF-style: chr6-109453985-G-A. GRCh37 (hg19) VCF-style: chr6-109775188-G-A.
Other names: c.212C>T (NM_022765.3); c.212C>T, p.Ala71Val (NM_001159291.2); c.269C>T, p.Ala90Val (NM_001286613.2); short protein forms A90V, A71V.
Identifiers: ClinVar variation 1932558 (VCV001932558.6), dbSNP rs779915041, ClinGen allele CA3953874.